The following is an entry in ClinVar:

ClinVar aggregate classification (germline): Uncertain significance (1 of 4 stars; one submission).

Conditions:
Charcot-Marie-Tooth disease type 2B (CMT2B). Also called: CHARCOT-MARIE-TOOTH DISEASE, AXONAL, TYPE 2B; Charcot-Marie-Tooth Neuropathy Type 2B; CHARCOT-MARIE-TOOTH DISEASE, AUTOSOMAL DOMINANT, TYPE 2B; HEREDITARY MOTOR AND SENSORY NEUROPATHY IIB. Identifiers: Orphanet 99936, MedGen C1833219, MONDO:0010949, OMIM 600882.

Allele frequency attached by ClinVar (database versions not stated): gnomAD exomes below 0.00001 and 0.00001; gnomAD 0.00001; TOPMed 0.00001.

Submission:

Labcorp Genetics (formerly Invitae), Labcorp
Classification: Uncertain significance for Charcot-Marie-Tooth disease type 2B. Last evaluated: 2024-02-22. Review status: criteria provided, single submitter. Criteria: Invitae Variant Classification Sherloc (09022015). Collection method: clinical testing. Allele origin: germline.
Comment: This sequence change replaces asparagine, which is neutral and polar, with serine, which is neutral and polar, at codon 161 of the RAB7A protein (p.Asn161Ser). This variant is present in population databases (no rsID available, gnomAD 0.002%). This variant has not been reported in the literature in individuals affected with RAB7A-related conditions. ClinVar contains an entry for this variant (Variation ID: 846870). An algorithm developed to predict the effect of missense changes on protein structure and function (PolyPhen-2) suggests that this variant is likely to be tolerated. This variant disrupts the p.Asn161 amino acid residue in RAB7A. Other variant(s) that disrupt this residue have been determined to be pathogenic (PMID: 15455439, 18272684, 23188822, 24498653, 26791407). This suggests that this residue is clinically significant, and that variants that disrupt this residue are likely to be disease-causing. In summary, the available evidence is currently insufficient to determine the role of this variant in disease. Therefore, it has been classified as a Variant of Uncertain Significance.

Literature cited by the submitters: PubMed 15455439; PubMed 18272684; PubMed 23188822; PubMed 24498653; PubMed 26791407.

NM_004637.6(RAB7A):c.482A>G (p.Asn161Ser)

Gene: RAB7A (RAB7A, member RAS oncogene family; plus strand). Cytogenetic location: 3q21.3.
Variant type: single nucleotide variant.
Coding change: c.482A>G on transcript NM_004637.6 (MANE Select); coding-DNA position 482, A replaced by G.
Protein change: p.Asn161Ser; replaces asparagine 161 with serine.
Molecular consequence: missense variant.
Genome position (GRCh38, 1-based): chr3:128,807,625, A>G. VCF-style: chr3-128807625-A-G. GRCh37 (hg19) VCF-style: chr3-128526468-A-G.
Other names: short protein forms N161S.
Identifiers: ClinVar variation 846870 (VCV000846870.9), dbSNP rs121909080, ClinGen allele CA354709485.